The following is an entry in ClinVar:

NM_020987.5(ANK3):c.395A>G (p.Asn132Ser)

Gene: ANK3 (ankyrin 3; minus strand). Cytogenetic location: 10q21.2.
Variant type: single nucleotide variant.
Coding change: c.395A>G on transcript NM_020987.5 (MANE Select); coding-DNA position 395, A replaced by G.
Protein change: p.Asn132Ser; replaces asparagine 132 with serine.
Molecular consequence: missense variant.
Genome position (GRCh38, 1-based): chr10:60,278,793, T>C on the plus strand (A>G on the coding strand, the complement: ANK3 is on the minus strand). VCF-style: chr10-60278793-T-C. GRCh37 (hg19) VCF-style: chr10-62038551-T-C.
Other names: c.377A>G, p.Asn126Ser (NM_001204403.2); c.344A>G, p.Asn115Ser (NM_001204404.2); c.395A>G, p.Asn132Ser (NM_001320874.2); c.395A>G (NM_020987.3); short protein forms N115S, N126S, N132S.
Identifiers: ClinVar variation 1991371 (VCV001991371.3), dbSNP rs752839113, ClinGen allele CA5513446.
Genomic context (GRCh38, chr10:60,278,793, plus strand): 5'-AATGATAACAAAATGTCTGTGGCATGGAGTTGTAGGCTTACCTGAGATTGTGCATTGACA[T>C]TGGCTCCATTTGTAACCAAGACTTTTACCACCTCTGCTTGCCCAGCCAAAGATGCGATGT-3'
Protein context (NP_066267.2, residues 122-142): VVKVLVTNGA[Asn132Ser]VNAQSQNGFT

ClinVar aggregate classification (germline): Conflicting classifications of pathogenicity. Review status: criteria provided, conflicting classifications (1 of 4 stars). 2 submissions from 2 submitters: Uncertain significance (1); Likely benign (1). Last evaluated 2025-10-22.

Conditions:
Inborn genetic diseases. Identifiers: MedGen C0950123, MeSH D030342.

Allele frequency attached by ClinVar (database versions not stated): ExAC 0.00001; gnomAD exomes 0.00001; TOPMed 0.00002.
gnomAD v4.1: 12 of 1,613,854 alleles (0.00074%); highest among the groups gnomAD compares: Admixed American, 0.017%; no homozygotes.

Submissions (2):

Labcorp Genetics (formerly Invitae), Labcorp
Classification: Uncertain significance. Last evaluated: 2025-10-22. Review status: criteria provided, single submitter. Criteria: Invitae Variant Classification Sherloc (09022015). Collection method: clinical testing. Allele origin: germline.
Comment: This sequence change replaces asparagine, which is neutral and polar, with serine, which is neutral and polar, at codon 132 of the ANK3 protein (p.Asn132Ser). This variant is present in population databases (rs752839113, gnomAD 0.02%). This variant has not been reported in the literature in individuals affected with ANK3-related conditions. ClinVar contains an entry for this variant (Variation ID: 1991371). Invitae Evidence Modeling of protein sequence and biophysical properties (such as structural, functional, and spatial information, amino acid conservation, physicochemical variation, residue mobility, and thermodynamic stability) indicates that this missense variant is not expected to disrupt ANK3 protein function with a negative predictive value of 80%. In summary, the available evidence is currently insufficient to determine the role of this variant in disease. Therefore, it has been classified as a Variant of Uncertain Significance.

Ambry Genetics
Classification: Likely benign for Inborn genetic diseases. Last evaluated: 2025-02-22. Review status: criteria provided, single submitter. Criteria: Ambry Variant Classification Scheme 2023. Collection method: clinical testing. Allele origin: germline.